The following is an entry in ClinVar:

NM_001034853.2(RPGR):c.2598_2599insCGGGAGGAAGAAGGGGAGGAAGGAGAA (p.Glu866_Gly867insArgGluGluGluGlyGluGluGlyGlu)

Gene: RPGR (retinitis pigmentosa GTPase regulator; minus strand). Cytogenetic location: Xp11.4.
Variant type: Insertion.
Coding change: c.2598_2599insCGGGAGGAAGAAGGGGAGGAAGGAGAA on transcript NM_001034853.2 (MANE Select); coding-DNA positions 2598 to 2599, CGGGAGGAAGAAGGGGAGGAAGGAGAA inserted.
Protein change: p.Glu866_Gly867insArgGluGluGluGlyGluGluGlyGlu.
Molecular consequence: inframe insertion. On other transcripts: intron variant (8).
Genome position: GRCh38 VCF-style: chrX-38286400-C-CTTCTCCTTCCTCCCCTTCTTCCTCCCG. GRCh37 (hg19) VCF-style: chrX-38145653-C-CTTCTCCTTCCTCCCCTTCTTCCTCCCG.
Other names: c.1569+4558_1569+4559insGAAGGAGAACGGGAGGAAGAAGGGGAG (NM_001367249.1, NM_001367250.1); c.1902+693_1902+694insGAAGGAGAACGGGAGGAAGAAGGGGAG (NM_001367245.1); c.1386+4558_1386+4559insGAAGGAGAACGGGAGGAAGAAGGGGAG (NM_001367251.1); c.1719+693_1719+694insGAAGGAGAACGGGAGGAAGAAGGGGAG (NM_001367246.1); c.1572+4558_1572+4559insGAAGGAGAACGGGAGGAAGAAGGGGAG (NM_001367247.1); c.1905+693_1905+694insGAAGGAGAACGGGAGGAAGAAGGGGAG (NM_000328.3); c.1602+4558_1602+4559insGAAGGAGAACGGGAGGAAGAAGGGGAG (NM_001367248.1).
Identifiers: ClinVar variation 2103247 (VCV002103247.4), dbSNP rs2519789236, ClinGen allele CA2580100895.

ClinVar aggregate classification (germline): Uncertain significance (1 of 4 stars; one submission).

Conditions:
Primary ciliary dyskinesia. Also called: Ciliary dyskinesia. Identifiers: Orphanet 244, MedGen C0008780, MONDO:0016575, HP:0012265.

Submission:

Labcorp Genetics (formerly Invitae), Labcorp
Classification: Uncertain significance for Primary ciliary dyskinesia. Last evaluated: 2022-02-25. Review status: criteria provided, single submitter. Criteria: Invitae Variant Classification Sherloc (09022015). Collection method: clinical testing. Allele origin: germline.
Comment: In summary, the available evidence is currently insufficient to determine the role of this variant in disease. Therefore, it has been classified as a Variant of Uncertain Significance. This variant, c.2598_2599insCGGGAGGAAGAAGGGGAGGAAGGAGAA, results in the insertion of 9 amino acid(s) of the RPGR (ORF15) protein (p.Glu866_Gly867insArgGluGluGluGlyGluGluGlyGlu), but otherwise preserves the integrity of the reading frame. The frequency data for this variant in the population databases is considered unreliable, as metrics indicate insufficient coverage at this position in the gnomAD database. This variant has not been reported in the literature in individuals affected with RPGR (ORF15)-related conditions.